The following is an entry in ClinVar:

ClinVar aggregate classification (germline): Uncertain significance. Review status: criteria provided, multiple submitters, no conflicts (2 of 4 stars). 7 submissions from 7 submitters: Uncertain significance (7). Last evaluated 2026-10-20.

Conditions:
Classic or attenuated familial adenomatous polyposis. Identifiers: MedGen CN372698, MONDO:0021057.
Hereditary cancer-predisposing syndrome. Also called: Neoplastic Syndromes, Hereditary; Hereditary neoplastic syndrome; Tumor predisposition; Hereditary Cancer Syndrome. Identifiers: Orphanet 140162, MedGen C0027672, MeSH D009386, MONDO:0015356.
Familial adenomatous polyposis 1 (FAP1). Also called: POLYPOSIS, ADENOMATOUS INTESTINAL; FAMILIAL ADENOMATOUS POLYPOSIS 1, ATTENUATED. Identifiers: MedGen C2713442, MONDO:0021056, OMIM 175100. Disease mechanism: loss of function.

Allele frequency attached by ClinVar (database versions not stated): gnomAD exomes below 0.00001.
gnomAD v4.1: 4 of 1,613,864 alleles (0.00025%); highest among the groups gnomAD compares: Non-Finnish European, 0.00034%; no homozygotes.

Submissions (7):

GeneDx
Classification: Uncertain significance. Last evaluated: 2026-10-20. Review status: criteria provided, single submitter. Criteria: GeneDx Variant Classification Process June 2021. Collection method: clinical testing. Allele origin: germline.
Comment: Reported as a germline variant in a patient with small cell lung cancer (as c.6070T>C p.Cys2024Arg, using alternate nomenclature) and as a suspected germline variant in a patient with basal cell adenoma, but detailed clinical information and familial segregation information were not provided (PMID: 39564094, 40515848); Not observed at significant frequency in large population cohorts (gnomAD); In silico analysis supports that this missense variant has a deleterious effect on protein structure/function; This variant is associated with the following publications: (PMID: 18199528, 39564094, 40515848)

Center for Genomic Medicine, Rigshospitalet, Copenhagen University Hospital
Classification: Uncertain significance. Last evaluated: 2025-12-29. Review status: criteria provided, single submitter. Criteria: ACMG Guidelines, 2015. Collection method: clinical testing. Allele origin: germline.
Comment: Classification criteria: PM2_Supporting, BP1

Labcorp Genetics (formerly Invitae), Labcorp
Classification: Uncertain significance for Familial adenomatous polyposis 1. Last evaluated: 2025-09-22. Review status: criteria provided, single submitter. Criteria: Invitae Variant Classification Sherloc (09022015). Collection method: clinical testing. Allele origin: germline.
Comment: This sequence change replaces cysteine, which is neutral and slightly polar, with arginine, which is basic and polar, at codon 2042 of the APC protein (p.Cys2042Arg). This variant is present in population databases (rs730881254, gnomAD 0.0009%). This variant has not been reported in the literature in individuals affected with APC-related conditions. ClinVar contains an entry for this variant (Variation ID: 181812). Invitae Evidence Modeling of protein sequence and biophysical properties (such as structural, functional, and spatial information, amino acid conservation, physicochemical variation, residue mobility, and thermodynamic stability) has been performed for this missense variant. However, the output from this modeling did not meet the statistical confidence thresholds required to predict the impact of this variant on APC protein function. In summary, the available evidence is currently insufficient to determine the role of this variant in disease. Therefore, it has been classified as a Variant of Uncertain Significance.

Ambry Genetics
Classification: Uncertain significance for Hereditary cancer-predisposing syndrome. Last evaluated: 2025-01-30. Review status: criteria provided, single submitter. Criteria: Ambry Variant Classification Scheme 2023. Collection method: clinical testing. Allele origin: germline.
Comment: The p.C2042R variant (also known as c.6124T>C), located in coding exon 15 of the APC gene, results from a T to C substitution at nucleotide position 6124. The cysteine at codon 2042 is replaced by arginine, an amino acid with highly dissimilar properties. Missense alterations in APC are not a common cause of disease (Spier I et al. Genet Med. 2024 Feb;26(2):100992). This alteration has been identified in an individual with familial colorectal cancer but not polyposis (Rohlin A et al. Fam Cancer, 2017 04;16:195-203). This amino acid position is highly conserved in available vertebrate species. In addition, in silico predictors for this gene do not accurately predict pathogenicity. Based on the available evidence, the clinical significance of this variant remains unclear.

All of Us Research Program, National Institutes of Health
Classification: Uncertain significance for Classic or attenuated familial adenomatous polyposis. Last evaluated: 2024-05-17. Review status: criteria provided, single submitter. Criteria: ACMG Guidelines, 2015. Collection method: clinical testing. Allele origin: germline. Inheritance: Autosomal dominant inheritance. Observed: 2 variant alleles, 2 heterozygotes.
Comment: This missense variant replaces cysteine with arginine at codon 2042 of the APC protein. Computational prediction suggests that this variant may have deleterious impact on protein structure and function (internally defined REVEL score threshold >= 0.7, PMID: 27666373). To our knowledge, functional studies have not been reported for this variant. This variant has been reported in an individual affected with mismatch repair stable colorectal cancer (PMID: 27696107). This variant has been identified in 1/250848 chromosomes in the general population by the Genome Aggregation Database (gnomAD). The available evidence is insufficient to determine the role of this variant in disease conclusively. Therefore, this variant is classified as a Variant of Uncertain Significance.

This study involves interpretation of variants in research participants for the purpose of population health screening. Participant phenotype was not available at the time of variant classification. Additional details can be found in publication PMID: 35346344, PMCID: PMC8962531

Color Diagnostics, LLC DBA Color Health
Classification: Uncertain significance for Hereditary cancer-predisposing syndrome. Last evaluated: 2023-10-05. Review status: criteria provided, single submitter. Criteria: ACMG Guidelines, 2015. Collection method: clinical testing. Allele origin: germline.
Comment: This missense variant replaces cysteine with arginine at codon 2042 of the APC protein. Computational prediction suggests that this variant may have deleterious impact on protein structure and function (internally defined REVEL score threshold >= 0.7, PMID: 27666373). To our knowledge, functional studies have not been reported for this variant. This variant has been reported in an individual affected with mismatch repair stable colorectal cancer (PMID: 27696107). This variant has been identified in 1/250848 chromosomes in the general population by the Genome Aggregation Database (gnomAD). The available evidence is insufficient to determine the role of this variant in disease conclusively. Therefore, this variant is classified as a Variant of Uncertain Significance.

Department of Pathology and Laboratory Medicine, Sinai Health System
Classification: Uncertain significance for classic or attenuated familial adenomatous polyposis. Last evaluated: 2022-03-16. Review status: criteria provided, single submitter. Criteria: ACMG Guidelines, 2015. Collection method: clinical testing. Allele origin: germline.

Literature cited by the submitters: PubMed 27696107 (cited by 4 submitters).

NM_000038.6(APC):c.6124T>C (p.Cys2042Arg)

Gene: APC (APC regulator of Wnt signaling pathway; plus strand). Cytogenetic location: 5q22.2.
Variant type: single nucleotide variant.
Coding change: c.6124T>C on transcript NM_000038.6 (MANE Select); coding-DNA position 6124, T replaced by C.
Protein change: p.Cys2042Arg; replaces cysteine 2042 with arginine.
Molecular consequence: missense variant.
Genome position (GRCh38, 1-based): chr5:112,841,718, T>C. VCF-style: chr5-112841718-T-C. GRCh37 (hg19) VCF-style: chr5-112177415-T-C.
Other names: p.C2042R:TGT>CGT; c.6124T>C, p.Cys2042Arg (NM_001127510.3, NM_001354895.2); c.6070T>C, p.Cys2024Arg (NM_001127511.3); c.6178T>C, p.Cys2060Arg (NM_001354896.2); c.6154T>C, p.Cys2052Arg (NM_001354897.2); c.6049T>C, p.Cys2017Arg (NM_001354898.2); c.6040T>C, p.Cys2014Arg (NM_001354899.2); c.6001T>C, p.Cys2001Arg (NM_001354900.2); and 6 more; short protein forms C2024R, C2042R, C1951R, C1983R, C1882R, C2014R, C2017R, C2052R.
Identifiers: ClinVar variation 181812 (VCV000181812.28), dbSNP rs730881254, ClinGen allele CA010942.